The following is an entry in ClinVar:

ClinVar aggregate classification (germline): Benign. Review status: criteria provided, multiple submitters, no conflicts (2 of 4 stars). 4 submissions from 4 submitters: Benign (4). Last evaluated 2025-02-03.

Conditions:
INPP5K-related disorder. Also called: INPP5K-related condition.

Allele frequency attached by ClinVar (database versions not stated): ESP Exome Variant Server 0.00718; gnomAD exomes 0.00057 and 0.00152; 1000 Genomes Project 0.00379; 1000 Genomes Project 30x 0.00390; ExAC 0.00404; gnomAD 0.00607 and 0.00658; TOPMed 0.00682.
gnomAD v4.1: 1,793 of 1,561,010 alleles (0.11%); highest among the groups gnomAD compares: African/African-American, 2.1%; 19 homozygotes.

Submissions (4):

Mayo Clinic Laboratories, Mayo Clinic
Classification: Benign. Last evaluated: 2025-02-03. Review status: criteria provided, single submitter. Criteria: ACMG Guidelines, 2015. Collection method: clinical testing. Allele origin: germline. Observed: 1 variant allele.
Comment: BS1, BS2, BP4, BP7

PreventionGenetics, part of Exact Sciences
Classification: Benign for INPP5K-related condition. Last evaluated: 2025-01-06. Review status: criteria provided, single submitter. Criteria: ACMG Guidelines, 2015. Collection method: clinical testing. Allele origin: germline.
Comment: This variant is classified as benign based on ACMG/AMP sequence variant interpretation guidelines (Richards et al. 2015 PMID: 25741868, with internal and published modifications).

Labcorp Genetics (formerly Invitae), Labcorp
Classification: Benign. Last evaluated: 2019-12-31. Review status: criteria provided, single submitter. Criteria: Invitae Variant Classification Sherloc (09022015). Collection method: clinical testing. Allele origin: germline.

Breakthrough Genomics
Classification: Benign. Review status: criteria provided, single submitter. Criteria: ACMG Guidelines, 2015. Collection method: not provided. Allele origin: germline. Inheritance: Autosomal recessive inheritance. Affected: yes.

NM_016532.4(INPP5K):c.1176C>T (p.Asn392=)

Gene: INPP5K (inositol polyphosphate-5-phosphatase K; minus strand). Cytogenetic location: 17p13.3.
Variant type: single nucleotide variant.
Coding change: c.1176C>T on transcript NM_016532.4 (MANE Select); coding-DNA position 1176, C replaced by T.
Protein change: p.Asn392=; no amino-acid change (asparagine 392 retained).
Molecular consequence: synonymous variant.
Genome position (GRCh38, 1-based): chr17:1,496,328, G>A on the plus strand (C>T on the coding strand, the complement: INPP5K is on the minus strand). VCF-style: chr17-1496328-G-A. GRCh37 (hg19) VCF-style: chr17-1399622-G-A.
Other names: p.Asn392=; c.948C>T, p.Asn316= (NM_001135642.2, NM_130766.3).
Identifiers: ClinVar variation 778651 (VCV000778651.7), dbSNP rs61729422, ClinGen allele CA8268337.